The following is an entry in ClinVar:

ClinVar aggregate classification (germline): Uncertain significance (1 of 4 stars; one submission).

Conditions:
Retinitis pigmentosa 59 (RP59). Identifiers: Orphanet 791, MedGen C3151227, MONDO:0013468, OMIM 613861.

Submission:

Labcorp Genetics (formerly Invitae), Labcorp
Classification: Uncertain significance for Retinitis pigmentosa 59. Last evaluated: 2021-05-18. Review status: criteria provided, single submitter. Criteria: Invitae Variant Classification Sherloc (09022015). Collection method: clinical testing. Allele origin: germline.
Comment: In summary, the available evidence is currently insufficient to determine the role of this variant in disease. Therefore, it has been classified as a Variant of Uncertain Significance. Nucleotide substitutions within the consensus splice site are a relatively common cause of aberrant splicing (PMID: 17576681, 9536098). Algorithms developed to predict the effect of sequence changes on RNA splicing suggest that this variant is not likely to affect RNA splicing, but this prediction has not been confirmed by published transcriptional studies. This variant has not been reported in the literature in individuals with DHDDS-related conditions. This variant is not present in population databases (ExAC no frequency). This sequence change falls in intron 6 of the DHDDS gene. It does not directly change the encoded amino acid sequence of the DHDDS protein. It affects a nucleotide within the consensus splice site of the intron.

Literature cited by the submitters: PubMed 17576681; PubMed 9536098.

NM_205861.3(DHDDS):c.542+6C>G

Gene: DHDDS (dehydrodolichyl diphosphate synthase subunit; plus strand). Cytogenetic location: 1p36.11.
Variant type: single nucleotide variant.
Coding change: c.542+6C>G on transcript NM_205861.3 (MANE Select); 6 bases into the intron after coding-DNA position 542, C replaced by G.
Molecular consequence: intron variant.
Genome position (GRCh38, 1-based): chr1:26,447,666, C>G. VCF-style: chr1-26447666-C-G. GRCh37 (hg19) VCF-style: chr1-26774157-C-G.
Other names: c.263+6C>G (NM_001319959.2); c.542+6C>G (NM_024887.4); c.440+1234C>G (NM_001243564.2); c.425+6C>G (NM_001243565.2).
Identifiers: ClinVar variation 1382364 (VCV001382364.4), dbSNP rs1286935101, ClinGen allele CA339143531.
Genomic context (GRCh38, chr1:26,447,666, plus strand): 5'-GCAATGCTGTGAGAGAGATGGCCTGGGGGGTGGAGCAAGGCCTGTTGGATCCCAGGTATC[C>G]CGAGTTGTTTTGCATGGTAATTGTTAAGGAAAACAGGCCTGGGCCAGCATGGCAGCTCAC-3'